The following is an entry in ClinVar:

NM_000257.4(MYH7):c.2282C>A (p.Thr761Asn)

Gene: MYH7 (myosin heavy chain 7; minus strand). Cytogenetic location: 14q11.2.
Variant type: single nucleotide variant.
Coding change: c.2282C>A on transcript NM_000257.4 (MANE Select); coding-DNA position 2282, C replaced by A.
Protein change: p.Thr761Asn; replaces threonine 761 with asparagine.
Molecular consequence: missense variant.
Genome position (GRCh38, 1-based): chr14:23,425,699, G>T on the plus strand (C>A on the coding strand, the complement: MYH7 is on the minus strand). VCF-style: chr14-23425699-G-T. GRCh37 (hg19) VCF-style: chr14-23894908-G-T.
Other names: c.2282C>A (LRG_384t1); short protein forms T761N.
Identifiers: ClinVar variation 546292 (VCV000546292.11), dbSNP rs1555337846, ClinGen allele CA389048744.
Genomic context (GRCh38, chr14:23,425,699, plus strand): 5'-GAGGAGTCAATGGAAAAGAGATGTCTTCCTTTAATTAATTAGTCTCCTTTCCTCACCTTG[G>T]TGTGGCCAAACTTGTACTGGTTGTGATCAATGTCCAGGGAGCTGAGCAGCTTCTCTGCCC-3'
Protein context (NP_000248.2, residues 751-771): IDHNQYKFGH[Thr761Asn]KVFFKAGLLG

ClinVar aggregate classification (germline): Conflicting classifications of pathogenicity. Review status: criteria provided, conflicting classifications (1 of 4 stars). 3 submissions from 3 submitters: Likely pathogenic (2); Uncertain significance (1). Last evaluated 2024-09-21.

Conditions:
MYH7-related disorder. Also called: MYH7-related condition; MYH7-related disease; MYH7-related disorders.
Hypertrophic cardiomyopathy. Also called: HYPERTROPHIC MYOCARDIOPATHY. Identifiers: Orphanet 217569, MedGen C0007194, MeSH D002312, MONDO:0005045, HP:0001639.

Submissions (3):

Blueprint Genetics
Classification: Likely pathogenic for MYH7-related disorders. Last evaluated: 2024-09-21. Review status: criteria provided, single submitter. Criteria: ACMG Guidelines, 2015. Collection method: clinical testing. Allele origin: germline. Affected: yes. Observed: 1 variant allele.

Labcorp Genetics (formerly Invitae), Labcorp
Classification: Uncertain significance for Hypertrophic cardiomyopathy. Last evaluated: 2021-06-22. Review status: criteria provided, single submitter. Criteria: Invitae Variant Classification Sherloc (09022015). Collection method: clinical testing. Allele origin: germline.
Comment: This sequence change replaces threonine with asparagine at codon 761 of the MYH7 protein (p.Thr761Asn). The threonine residue is highly conserved and there is a small physicochemical difference between threonine and asparagine. This variant is not present in population databases (ExAC no frequency). This variant has been observed in individual(s) with hypertrophic cardiomyopathy (HCM) (PMID: 27841901). ClinVar contains an entry for this variant (Variation ID: 546292). Algorithms developed to predict the effect of missense changes on protein structure and function (SIFT, PolyPhen-2, Align-GVGD) all suggest that this variant is likely to be disruptive, but these predictions have not been confirmed by published functional studies and their clinical significance is uncertain. In summary, the available evidence is currently insufficient to determine the role of this variant in disease. Therefore, it has been classified as a Variant of Uncertain Significance.

GeneDx
Classification: Likely pathogenic. Last evaluated: 2019-08-22. Review status: criteria provided, single submitter. Criteria: GeneDx Variant Classification Process June 2021. Collection method: clinical testing. Allele origin: germline. Affected: yes.
Comment: Not observed in large population cohorts (Lek et al., 2016); In silico analysis, which includes protein predictors and evolutionary conservation, supports a deleterious effect; This variant is associated with the following publications: (PMID: 27841901)

Literature cited by the submitters: PubMed 27841901 (cited by Labcorp Genetics (formerly Invitae), Labcorp).